The following is an entry in ClinVar:

ClinVar aggregate classification (germline): Pathogenic. Review status: criteria provided, multiple submitters, no conflicts (2 of 4 stars). 2 submissions from 2 submitters: Pathogenic (2). Last evaluated 2026-04-28.

Conditions:
Familial thoracic aortic aneurysm and aortic dissection (TAAD). Also called: Thoracic aortic aneurysms and dissections. Identifiers: Orphanet 91387, MedGen C4707243, MONDO:0019625.
Marfan syndrome (MFS). Also called: FBN1-Related Marfan Syndrome; Marfan syndrome type 1; Marfan's syndrome; Marfan syndrome, classic; MARFAN SYNDROME, TYPE I. Identifiers: Orphanet 284963, Orphanet 558, MedGen C0024796, MONDO:0007947, OMIM 154700.

Submissions (2):

Ambry Genetics
Classification: Pathogenic for Familial thoracic aortic aneurysm and aortic dissection. Last evaluated: 2026-04-28. Review status: criteria provided, single submitter. Criteria: Ambry Variant Classification Scheme 2023. Collection method: clinical testing. Allele origin: germline.
Comment: The c.4942+1G>A intronic pathogenic mutation results from a G to A substitution one nucleotide after coding exon 39 of the FBN1 gene. Variants that disrupt the canonical splice site are expected to result in aberrant splicing. In silico splice site analysis predicts that this alteration will weaken the native splice donor site and may result in the creation or strengthening of a novel splice donor site. A resulting transcript is predicted to be in-frame and is not expected to trigger nonsense-mediated mRNAdecay; although, direct evidence is unavailable. However, the region predicted to be impacted is critical for protein function (Ambry internal data). This variant was reported in individual(s) with features consistent with Marfan syndrome; in at least one individual, it was determined to be de novo (Stheneur C et al. Eur J Hum Genet, 2009 Sep;17:1121-8; Ambry internal data). This variant is considered to be rare based on population cohorts in the Genome Aggregation Database (gnomAD). This nucleotide position is highly conserved in available vertebrate species. Based on the supporting evidence, this variant is interpreted as a disease-causing mutation.

Labcorp Genetics (formerly Invitae), Labcorp
Classification: Pathogenic for Marfan syndrome; Familial thoracic aortic aneurysm and aortic dissection. Last evaluated: 2021-09-29. Review status: criteria provided, single submitter. Criteria: Invitae Variant Classification Sherloc (09022015). Collection method: clinical testing. Allele origin: germline.
Comment: For these reasons, this variant has been classified as Pathogenic. Algorithms developed to predict the effect of sequence changes on RNA splicing suggest that this variant may disrupt the consensus splice site. Disruption of this splice site has been observed in individual(s) with Marfan syndrome (PMID: 19293843). In at least one individual the variant was observed to be de novo. This variant is not present in population databases (ExAC no frequency). This sequence change affects a donor splice site in intron 40 of the FBN1 gene. It is expected to disrupt RNA splicing. Variants that disrupt the donor or acceptor splice site typically lead to a loss of protein function (PMID: 16199547), and loss-of-function variants in FBN1 are known to be pathogenic (PMID: 17657824, 19293843).

Literature cited by the submitters: PubMed 19293843 (cited by Ambry Genetics and Labcorp Genetics (formerly Invitae), Labcorp); PubMed 16199547 (cited by Labcorp Genetics (formerly Invitae), Labcorp); PubMed 17657824 (cited by Labcorp Genetics (formerly Invitae), Labcorp).

NM_000138.5(FBN1):c.4942+1G>A

Gene: FBN1 (fibrillin 1; minus strand). Cytogenetic location: 15q21.1.
Variant type: single nucleotide variant.
Coding change: c.4942+1G>A on transcript NM_000138.5 (MANE Select); the canonical splice donor site of the intron after coding-DNA position 4942, G replaced by A.
Molecular consequence: splice donor variant.
Genome position (GRCh38, 1-based): chr15:48,465,567, C>T on the plus strand (G>A on the coding strand, the complement: FBN1 is on the minus strand). VCF-style: chr15-48465567-C-T. GRCh37 (hg19) VCF-style: chr15-48757764-C-T.
Other names: c.4942+1G>A (NM_001406716.1).
Identifiers: ClinVar variation 570762 (VCV000570762.8), dbSNP rs1566903907, ClinGen allele CA392351048.